The following is an entry in ClinVar:

ClinVar aggregate classification (germline): Uncertain significance (1 of 4 stars; one submission).

Conditions:
Insulin-dependent diabetes mellitus secretory diarrhea syndrome (IPEX). Also called: Immunodysregulation, polyendocrinopathy, and enteropathy, X-linked; Immune dysregulation-polyendocrinopathy-enteropathy-X-linked syndrome; Immunodeficiency, Polyendocrinopathy, and Enteropathy X-Linked Syndrome; X-Linked Syndrome of Polyendocrinopathy, Immune Dysfunction, and Diarrhea; X-Linked Autoimmunity-Allergic Dysregulation Syndrome; IMMUNODEFICIENCY, POLYENDOCRINOPATHY, AND ENTEROPATHY, X-LINKED. Identifiers: Orphanet 37042, MedGen C0342288, MONDO:0010580, OMIM 304790. Disease mechanism: loss of function.

gnomAD v4.1: 1 of 1,210,687 alleles (0.000083%); highest among the groups gnomAD compares: Non-Finnish European, 0.00011%; no homozygotes.

Submission:

Labcorp Genetics (formerly Invitae), Labcorp
Classification: Uncertain significance for Insulin-dependent diabetes mellitus secretory diarrhea syndrome. Last evaluated: 2021-01-19. Review status: criteria provided, single submitter. Criteria: Invitae Variant Classification Sherloc (09022015). Collection method: clinical testing. Allele origin: germline.
Comment: This variant is not present in population databases (ExAC no frequency). In summary, the available evidence is currently insufficient to determine the role of this variant in disease. Therefore, it has been classified as a Variant of Uncertain Significance. Advanced modeling of protein sequence and biophysical properties (such as structural, functional, and spatial information, amino acid conservation, physicochemical variation, residue mobility, and thermodynamic stability) performed at Invitae indicates that this missense variant is not expected to disrupt FOXP3 protein function. This variant has not been reported in the literature in individuals with FOXP3-related conditions. This sequence change replaces glutamic acid with lysine at codon 300 of the FOXP3 protein (p.Glu300Lys). The glutamic acid residue is moderately conserved and there is a small physicochemical difference between glutamic acid and lysine.

NM_014009.4(FOXP3):c.898G>A (p.Glu300Lys)

Gene: FOXP3 (forkhead box P3; minus strand). Cytogenetic location: Xp11.23.
Variant type: single nucleotide variant.
Coding change: c.898G>A on transcript NM_014009.4 (MANE Select); coding-DNA position 898, G replaced by A.
Protein change: p.Glu300Lys; replaces glutamic acid 300 with lysine.
Molecular consequence: missense variant.
Genome position (GRCh38, 1-based): chrX:49,253,986, C>T on the plus strand (G>A on the coding strand, the complement: FOXP3 is on the minus strand). VCF-style: chrX-49253986-C-T. GRCh37 (hg19) VCF-style: chrX-49110447-C-T.
Other names: c.793G>A, p.Glu265Lys (NM_001114377.2); short protein forms E265K, E300K.
Identifiers: ClinVar variation 1404338 (VCV001404338.8), dbSNP rs2147946014, ClinGen allele CA412950673.